The following is an entry in ClinVar:

ClinVar aggregate classification (germline): Uncertain significance (1 of 4 stars; one submission).

Conditions:
Inborn genetic diseases. Identifiers: MedGen C0950123, MeSH D030342.

Submission:

Ambry Genetics
Classification: Uncertain significance for Inborn genetic diseases. Last evaluated: 2026-06-20. Review status: criteria provided, single submitter. Criteria: Ambry Variant Classification Scheme 2023. Collection method: clinical testing. Allele origin: germline.
Comment: The p.D44E variant (also known as c.132C>G), located in coding exon 1 of the ANKRD26 gene, results from a C to G substitution at nucleotide position 132. The aspartic acid at codon 44 is replaced by glutamic acid, an amino acid with highly similar properties. This amino acid position is conserved. In addition, this alteration is predicted to be tolerated by in silico analysis. Based on the available evidence, the clinical significance of this variant remains unclear.

NM_014915.3(ANKRD26):c.132C>G (p.Asp44Glu)

Genes: ANKRD26 (ankyrin repeat domain 26; minus strand), LOC130003554 (ATAC-STARR-seq lymphoblastoid silent region 2243; plus strand). Cytogenetic location: 10p12.1.
Variant type: single nucleotide variant.
Coding change: c.132C>G on transcript NM_014915.3 (MANE Select); coding-DNA position 132, C replaced by G.
Protein change: p.Asp44Glu; replaces aspartic acid 44 with glutamic acid.
Molecular consequence: missense variant.
Genome position (GRCh38, 1-based): chr10:27,100,195, G>C on the plus strand (C>G on the coding strand, the complement: ANKRD26 is on the minus strand). VCF-style: chr10-27100195-G-C. GRCh37 (hg19) VCF-style: chr10-27389124-G-C.
Other names: c.132C>G, p.Asp44Glu (NM_001256053.2); short protein forms D44E.
Identifiers: ClinVar variation 5022804 (VCV005022804.1).
Genomic context (GRCh38, chr10:27,100,195, plus strand): 5'-CTGCTGCACTTTCGCCACATTACCCGCGCTGGCAGCTTTGTGGATCTTGCCGAGATCTCG[G>C]TCTCGGACGTGGTAGCCGGGCTGCGAGTAGGCGCCCTCCCCCGGCTCGCCCCCGCCTCCC-3'
Protein context (NP_055730.2, residues 34-54): AYSQPGYHVR[Asp44Glu]RDLGKIHKAA